The following is an entry in ClinVar:

NC_000007.13:g.(?_128475360)_(128478877_?)del

Gene: FLNC (filamin C; plus strand). Cytogenetic location: 7q32.1.
Variant type: Deletion.
Identifiers: ClinVar variation 2424181 (VCV002424181.4).

ClinVar aggregate classification (germline): Pathogenic (1 of 4 stars; one submission).

Conditions:
Myofibrillar myopathy 5. Also called: Filaminopathy (type); FILAMINOPATHY, AUTOSOMAL DOMINANT. Identifiers: Orphanet 171445, MedGen C1836050, MONDO:0012289, OMIM 609524.
Distal myopathy with posterior leg and anterior hand involvement. Also called: WILLIAMS DISTAL MYOPATHY. Identifiers: Orphanet 63273, MedGen C3279722, MONDO:0013550, OMIM 614065.
Hypertrophic cardiomyopathy 26. Also called: Cardiomyopathy, familial hypertrophic, 26. Identifiers: Orphanet 75249, MedGen C4310749, MONDO:0014883, OMIM 617047.
Dilated Cardiomyopathy, Dominant.

Submission:

Labcorp Genetics (formerly Invitae), Labcorp
Classification: Pathogenic for Distal myopathy with posterior leg and anterior hand involvement; Myofibrillar myopathy 5; Hypertrophic cardiomyopathy 26. Last evaluated: 2021-10-07. Review status: criteria provided, single submitter. Criteria: Invitae Variant Classification Sherloc (09022015). Collection method: clinical testing. Allele origin: germline.
Comment: This variant is a gross deletion of the genomic region encompassing exon(s) 2-8 of the FLNC gene. This variant would be expected to be in-frame, preserving the integrity of the reading frame. This variant has not been reported in the literature in individuals affected with FLNC-related conditions. This variant disrupts a region of the FLNC protein in which other variant(s) (p.Ala193Thr) have been determined to be pathogenic (PMID: 2781633, 21620354, 30734317). This suggests that this is a clinically significant region of the protein, and that variants that disrupt it are likely to be disease-causing. For these reasons, this variant has been classified as Pathogenic.

Literature cited by the submitters: PubMed 2781633; PubMed 21620354; PubMed 30734317.